The following is an entry in ClinVar:

ClinVar aggregate classification (germline): Uncertain significance (1 of 4 stars; one submission).

Conditions:
Spastic paraplegia. Identifiers: MedGen C0037772, HP:0001258.

Allele frequency attached by ClinVar (database versions not stated): TOPMed below 0.00001; ExAC 0.00001; gnomAD 0.00001; 1000 Genomes Project 0.00020; 1000 Genomes Project 30x 0.00031.
gnomAD v4.1: 10 of 1,614,064 alleles (0.00062%); highest among the groups gnomAD compares: South Asian, 0.0044%; no homozygotes.

Submission:

Labcorp Genetics (formerly Invitae), Labcorp
Classification: Uncertain significance for Spastic paraplegia. Last evaluated: 2022-04-13. Review status: criteria provided, single submitter. Criteria: Invitae Variant Classification Sherloc (09022015). Collection method: clinical testing. Allele origin: germline.
Comment: This sequence change replaces arginine, which is basic and polar, with glutamine, which is neutral and polar, at codon 390 of the CYP2U1 protein (p.Arg390Gln). This variant is present in population databases (rs541373555, gnomAD 0.006%). This variant has not been reported in the literature in individuals affected with CYP2U1-related conditions. Advanced modeling of protein sequence and biophysical properties (such as structural, functional, and spatial information, amino acid conservation, physicochemical variation, residue mobility, and thermodynamic stability) performed at Invitae indicates that this missense variant is not expected to disrupt CYP2U1 protein function. In summary, the available evidence is currently insufficient to determine the role of this variant in disease. Therefore, it has been classified as a Variant of Uncertain Significance.

NM_183075.3(CYP2U1):c.1169G>A (p.Arg390Gln)

Gene: CYP2U1 (cytochrome P450 family 2 subfamily U member 1; plus strand). Cytogenetic location: 4q25.
Variant type: single nucleotide variant.
Coding change: c.1169G>A on transcript NM_183075.3 (MANE Select); coding-DNA position 1169, G replaced by A.
Protein change: p.Arg390Gln; replaces arginine 390 with glutamine.
Molecular consequence: missense variant.
Genome position (GRCh38, 1-based): chr4:107,947,418, G>A. VCF-style: chr4-107947418-G-A. GRCh37 (hg19) VCF-style: chr4-108868574-G-A.
Other names: short protein forms R390Q.
Identifiers: ClinVar variation 1910607 (VCV001910607.2), dbSNP rs541373555, ClinGen allele CA3037144.